The following is an entry in ClinVar:

NM_002458.3(MUC5B):c.6632G>C (p.Arg2211Pro)

Genes: MUC5B (mucin 5B, oligomeric mucus/gel-forming; plus strand), MUC5B-AS1 (MUC5B antisense RNA 1; minus strand). Cytogenetic location: 11p15.5.
Variant type: single nucleotide variant.
Coding change: c.6632G>C on transcript NM_002458.3 (MANE Select); coding-DNA position 6632, G replaced by C.
Protein change: p.Arg2211Pro; replaces arginine 2211 with proline.
Molecular consequence: missense variant.
Genome position (GRCh38, 1-based): chr11:1,243,512, G>C. VCF-style: chr11-1243512-G-C. GRCh37 (hg19) VCF-style: chr11-1264742-G-C.
Other names: short protein forms R2211P.
Identifiers: ClinVar variation 403139 (VCV000403139.6), dbSNP rs137973688, ClinGen allele CA5806071.

ClinVar aggregate classification (germline): Benign. Review status: criteria provided, multiple submitters, no conflicts (2 of 4 stars). 3 submissions from 3 submitters: Benign (3). Last evaluated 2018-11-12.

Allele frequency attached by ClinVar (database versions not stated): gnomAD 0.37014 and 0.37452; ExAC 0.41146; 1000 Genomes Project 30x 0.45612; gnomAD exomes 0.46937.
gnomAD v4.1: 661,627 of 1,433,604 alleles (46%); highest among the groups gnomAD compares: East Asian, 70%; 176,584 homozygotes.

Submissions (3):

GeneDx
Classification: Benign. Last evaluated: 2018-11-12. Review status: criteria provided, single submitter. Criteria: GeneDx Variant Classification Process June 2021. Collection method: clinical testing. Allele origin: germline. Affected: yes.

Laboratory for Molecular Medicine, Mass General Brigham Personalized Medicine
Classification: Benign. Last evaluated: 2016-03-28. Review status: criteria provided, single submitter. Criteria: LMM Criteria. Collection method: clinical testing. Allele origin: germline.
Comment: Variant identified in a genome or exome case(s) and assessed due to predicted null impact of the variant or pathogenic assertions in the literature or databases. Disclaimer: This variant has not undergone full assessment. The following are preliminary notes: Frequency

Breakthrough Genomics
Classification: Benign. Review status: criteria provided, single submitter. Criteria: ACMG Guidelines, 2015. Collection method: not provided. Allele origin: germline. Inheritance: Autosomal dominant inheritance. Affected: yes.